The following is an entry in ClinVar:

ClinVar aggregate classification (germline): Uncertain significance (1 of 4 stars; one submission).

Conditions:
Renal carnitine transport defect (CDSP). Also called: Primary carnitine deficiency; Systemic primary carnitine deficiency; Systemic primary carnitine deficiency disease; CARNITINE DEFICIENCY, SYSTEMIC, DUE TO DEFECT IN RENAL REABSORPTION OF CARNITINE; CARNITINE TRANSPORTER, PLASMA-MEMBRANE, DEFICIENCY OF; CARNITINE UPTAKE DEFECT. Identifiers: Orphanet 158, MedGen C0342788, MONDO:0008919, OMIM 212140.

Allele frequency attached by ClinVar (database versions not stated): gnomAD exomes below 0.00001.
gnomAD v4.1: 4 of 1,614,184 alleles (0.00025%); highest among the groups gnomAD compares: Non-Finnish European, 0.00034%; no homozygotes.

Submission:

Labcorp Genetics (formerly Invitae), Labcorp
Classification: Uncertain significance for Renal carnitine transport defect. Last evaluated: 2019-11-12. Review status: criteria provided, single submitter. Criteria: Invitae Variant Classification Sherloc (09022015). Collection method: clinical testing. Allele origin: germline.
Comment: In summary, the available evidence is currently insufficient to determine the role of this variant in disease. Therefore, it has been classified as a Variant of Uncertain Significance. Algorithms developed to predict the effect of missense changes on protein structure and function (SIFT, PolyPhen-2, Align-GVGD) all suggest that this variant is likely to be disruptive, but these predictions have not been confirmed by published functional studies and their clinical significance is uncertain. This variant has not been reported in the literature in individuals with SLC22A5-related conditions. This variant is not present in population databases (ExAC no frequency). This sequence change replaces alanine with threonine at codon 300 of the SLC22A5 protein (p.Ala300Thr). The alanine residue is highly conserved and there is a small physicochemical difference between alanine and threonine.

NM_003060.4(SLC22A5):c.898G>A (p.Ala300Thr)

Gene: SLC22A5 (solute carrier family 22 member 5; plus strand). Cytogenetic location: 5q31.1.
Variant type: single nucleotide variant.
Coding change: c.898G>A on transcript NM_003060.4 (MANE Select); coding-DNA position 898, G replaced by A.
Protein change: p.Ala300Thr; replaces alanine 300 with threonine.
Molecular consequence: missense variant.
Genome position (GRCh38, 1-based): chr5:132,387,098, G>A. VCF-style: chr5-132387098-G-A. GRCh37 (hg19) VCF-style: chr5-131722790-G-A.
Other names: c.970G>A, p.Ala324Thr (NM_001308122.2); short protein forms A300T, A324T.
Identifiers: ClinVar variation 969033 (VCV000969033.9), dbSNP rs1752558842, ClinGen allele CA360805647.